The following is an entry in ClinVar:

ClinVar aggregate classification (germline): Pathogenic (1 of 4 stars; one submission).

Conditions:
Glycogen storage disease, type II (IOPD). Also called: CARDIOMEGALIA GLYCOGENICA DIFFUSA; GLYCOGENOSIS, GENERALIZED, CARDIAC FORM; GSD II; Glycogen storage disease type 2; Acid maltase deficiency disease; Aglucosidase alfa. Identifiers: Orphanet 365, MedGen C0017921, MONDO:0009290, OMIM 232300.

Submission:

Myriad Genetics, Inc.
Classification: Pathogenic for Glycogen storage disease, type II. Last evaluated: 2023-09-27. Review status: criteria provided, single submitter. Criteria: Myriad Autosomal Dominant, Autosomal Recessive and X-Linked Classification Criteria (2023). Collection method: clinical testing. Allele origin: unknown.
Comment: NM_000152.3(GAA):c.863dupG(A289Cfs*41) is expected to be pathogenic in the context of Pompe disease. This variant is predicted to lead to an abnormal or absent protein product due to the creation of a premature termination codon in GAA, a gene where loss-of-function variants are known to be pathogenic. Please note: this variant was assessed in the context of healthy population screening.

NM_000152.5(GAA):c.863dup (p.Ala289fs)

Gene: GAA (alpha glucosidase; plus strand). Cytogenetic location: 17q25.3.
Variant type: Duplication.
Coding change: c.863dup on transcript NM_000152.5 (MANE Select); coding-DNA position 863, one base duplicated (G; older notation c.863dupG).
Protein change: p.Ala289fs; shifts the reading frame from alanine 289.
Molecular consequence: frameshift variant.
Genome position (GRCh38, 1-based): chr17:80,107,804, G duplicated; the last of 2 consecutive G bases (chr17:80,107,803-80,107,804); duplicating either gives the same sequence. VCF-style (leftmost placement, unchanged base first): chr17-80107802-C-CG. GRCh37 (hg19) VCF-style: chr17-78081601-C-CG.
Other names: c.863dup, p.Ala289fs (NM_001079803.3, NM_001079804.3, NM_001406741.1 and 1 more transcripts); short protein forms A289fs.
Identifiers: ClinVar variation 5011993 (VCV005011993.1).